The following is an entry in ClinVar:

NM_032153.6(ZIC4):c.311C>G (p.Thr104Arg)

Gene: ZIC4 (Zic family zinc finger 4; minus strand). Cytogenetic location: 3q24.
Variant type: single nucleotide variant.
Coding change: c.311C>G on transcript NM_032153.6 (MANE Select); coding-DNA position 311, C replaced by G.
Protein change: p.Thr104Arg; replaces threonine 104 with arginine.
Molecular consequence: missense variant. On other transcripts: intron variant (1).
Genome position (GRCh38, 1-based): chr3:147,396,229, G>C on the plus strand (C>G on the coding strand, the complement: ZIC4 is on the minus strand). VCF-style: chr3-147396229-G-C. GRCh37 (hg19) VCF-style: chr3-147114016-G-C.
Other names: c.461C>G, p.Thr154Arg (NM_001168378.1); c.425C>G, p.Thr142Arg (NM_001168379.2); c.71-4983C>G (NM_001243256.2); short protein forms T104R, T142R, T154R.
Identifiers: ClinVar variation 2815529 (VCV002815529.3), dbSNP rs1266379551, ClinGen allele CA354893014.

ClinVar aggregate classification (germline): Uncertain significance (1 of 4 stars; one submission).

Submission:

Labcorp Genetics (formerly Invitae), Labcorp
Classification: Uncertain significance. Last evaluated: 2024-11-05. Review status: criteria provided, single submitter. Criteria: Invitae Variant Classification Sherloc (09022015). Collection method: clinical testing. Allele origin: germline.
Comment: This sequence change replaces threonine, which is neutral and polar, with arginine, which is basic and polar, at codon 154 of the ZIC4 protein (p.Thr154Arg). This variant is not present in population databases (gnomAD no frequency). This variant has not been reported in the literature in individuals affected with ZIC4-related conditions. ClinVar contains an entry for this variant (Variation ID: 2815529). An algorithm developed to predict the effect of missense changes on protein structure and function (PolyPhen-2) suggests that this variant is likely to be disruptive. In summary, the available evidence is currently insufficient to determine the role of this variant in disease. Therefore, it has been classified as a Variant of Uncertain Significance.